The following is an entry in ClinVar:

ClinVar aggregate classification (germline): Conflicting classifications of pathogenicity. Review status: criteria provided, conflicting classifications (1 of 4 stars). 2 submissions from 2 submitters: Uncertain significance (1); Likely benign (1). Last evaluated 2024-09-16.

Allele frequency attached by ClinVar (database versions not stated): gnomAD exomes 0.00001.
gnomAD v4.1: 5 of 1,614,144 alleles (0.00031%); highest among the groups gnomAD compares: Admixed American, 0.0083%; no homozygotes.

Submissions (2):

Labcorp Genetics (formerly Invitae), Labcorp
Classification: Likely benign. Last evaluated: 2024-09-16. Review status: criteria provided, single submitter. Criteria: Invitae Variant Classification Sherloc (09022015). Collection method: clinical testing. Allele origin: germline.

Women's Health and Genetics/Laboratory Corporation of America, LabCorp
Classification: Uncertain significance. Last evaluated: 2024-07-09. Review status: criteria provided, single submitter. Criteria: LabCorp Variant Classification Summary - May 2015. Collection method: clinical testing. Allele origin: germline.
Comment: Variant summary: ACVR1 c.1398A>T (p.Thr466Thr) alters a non-conserved nucleotide located close to a canonical splice site and therefore could affect mRNA splicing, leading to a significantly altered protein sequence. Consensus agreement among computation tools predict no significant impact on normal splicing. However, these predictions have yet to be confirmed by functional studies. The variant allele was found at a frequency of 1.2e-05 in 251152 control chromosomes. The available data on variant occurrences in the general population are insufficient to allow any conclusion about variant significance. To our knowledge, no occurrence of c.1398A>T in individuals affected with Progressive Myositis Ossificans and no experimental evidence demonstrating its impact on protein function have been reported. ClinVar contains an entry for this variant (Variation ID: 1549835). Based on the evidence outlined above, the variant was classified as uncertain significance.

NM_001111067.4(ACVR1):c.1398A>T (p.Thr466=)

Gene: ACVR1 (activin A receptor type 1; minus strand). Cytogenetic location: 2q24.1.
Variant type: single nucleotide variant.
Coding change: c.1398A>T on transcript NM_001111067.4 (MANE Select); coding-DNA position 1398, A replaced by T.
Protein change: p.Thr466=; no amino-acid change (threonine 466 retained).
Molecular consequence: synonymous variant.
Genome position (GRCh38, 1-based): chr2:157,737,663, T>A on the plus strand (A>T on the coding strand, the complement: ACVR1 is on the minus strand). VCF-style: chr2-157737663-T-A. GRCh37 (hg19) VCF-style: chr2-158594175-T-A.
Other names: c.1398A>T, p.Thr466= (NM_001347663.1, NM_001347664.1, NM_001347665.1 and 3 more transcripts).
Identifiers: ClinVar variation 1549835 (VCV001549835.9), dbSNP rs914942419, ClinGen allele CA59276614.
Genomic context (GRCh38, chr2:157,737,663, plus strand): 5'-GAGTCTTGCGGATGGATTTTGATACCAGCATTCTTTCATTAGCTTGGCCAGAGAGGTTAA[T>A]GTCTGAGGAGAGAAAGAACAAACACCACAATGACAAACTGGCTTTTTAATGGCCCTGGAA-3'
Protein context (NP_001104537.1, residues 456-476): NIPNRWFSDP[Thr466=]LTSLAKLMKE